The following is an entry in ClinVar:

NM_002386.4(MC1R):c.601G>C (p.Val201Leu)

Gene: MC1R (melanocortin 1 receptor; plus strand). Cytogenetic location: 16q24.3.
Variant type: single nucleotide variant.
Coding change: c.601G>C on transcript NM_002386.4 (MANE Select); coding-DNA position 601, G replaced by C.
Protein change: p.Val201Leu; replaces valine 201 with leucine.
Molecular consequence: missense variant.
Genome position (GRCh38, 1-based): chr16:89,919,859, G>C. VCF-style: chr16-89919859-G-C. GRCh37 (hg19) VCF-style: chr16-89986267-G-C.
Other names: short protein forms V201L.
Identifiers: ClinVar variation 3871055 (VCV003871055.1).

ClinVar aggregate classification (germline): Uncertain significance (1 of 4 stars; one submission).

Submission:

Ambry Genetics
Classification: Uncertain significance. Last evaluated: 2024-12-12. Review status: criteria provided, single submitter. Criteria: Ambry Variant Classification Scheme 2023. Collection method: clinical testing. Allele origin: germline.
Comment: The p.V201L variant (also known as c.601G>C), located in coding exon 1 of the MC1R gene, results from a G to C substitution at nucleotide position 601. The valine at codon 201 is replaced by leucine, an amino acid with highly similar properties. This amino acid position is conserved. In addition, this alteration is predicted to be tolerated by in silico analysis. Based on the available evidence, the clinical significance of this variant remains unclear.